The following is an entry in ClinVar:

ClinVar aggregate classification (germline): Uncertain significance (1 of 4 stars; one submission).

Conditions:
Hereditary nonpolyposis colorectal neoplasms. Identifiers: MedGen C0009405, MeSH D003123.

Submission:

Labcorp Genetics (formerly Invitae), Labcorp
Classification: Uncertain significance for Hereditary nonpolyposis colorectal neoplasms. Last evaluated: 2025-11-27. Review status: criteria provided, single submitter. Criteria: Invitae Variant Classification Sherloc (09022015). Collection method: clinical testing. Allele origin: germline.
Comment: This sequence change replaces phenylalanine, which is neutral and non-polar, with tyrosine, which is neutral and polar, at codon 882 of the MSH6 protein (p.Phe882Tyr). This variant is not present in population databases (gnomAD no frequency). This variant has not been reported in the literature in individuals affected with MSH6-related conditions. Invitae Evidence Modeling of protein sequence and biophysical properties (such as structural, functional, and spatial information, amino acid conservation, physicochemical variation, residue mobility, and thermodynamic stability) indicates that this missense variant is not expected to disrupt MSH6 protein function with a negative predictive value of 95%. In summary, the available evidence is currently insufficient to determine the role of this variant in disease. Therefore, it has been classified as a Variant of Uncertain Significance.

NM_000179.3(MSH6):c.2645T>A (p.Phe882Tyr)

Gene: MSH6 (mutS homolog 6; plus strand). Cytogenetic location: 2p16.3.
Variant type: single nucleotide variant.
Coding change: c.2645T>A on transcript NM_000179.3 (MANE Select); coding-DNA position 2645, T replaced by A.
Protein change: p.Phe882Tyr; replaces phenylalanine 882 with tyrosine.
Molecular consequence: missense variant. On other transcripts: non-coding transcript variant (5), intron variant (3).
Genome position (GRCh38, 1-based): chr2:47,800,628, T>A. VCF-style: chr2-47800628-T-A. GRCh37 (hg19) VCF-style: chr2-48027767-T-A.
Other names: c.2120T>A, p.Phe707Tyr (NM_001406807.1, NM_001406799.1, NM_001406806.1); c.2645T>A, p.Phe882Tyr (NM_001406808.1, NM_001406809.1, NM_001406796.1 and 2 more transcripts); c.1739T>A, p.Phe580Tyr (NM_001406811.1, NM_001406812.1, NM_001406814.1 and 6 more transcripts); c.2651T>A, p.Phe884Tyr (NM_001406813.1); c.2348T>A, p.Phe783Tyr (NM_001406818.1, NM_001406819.1, NM_001406820.1 and 10 more transcripts); c.2477T>A, p.Phe826Tyr (NM_001406826.1); c.2308+337T>A (NM_001406803.1); c.1606+1039T>A (NM_001406817.1); and 4 more; short protein forms F580Y, F707Y, F752Y, F783Y, F826Y, F856Y, F882Y, F884Y.
Identifiers: ClinVar variation 4800215 (VCV004800215.1).